The following is an entry in ClinVar:

ClinVar aggregate classification (germline): Uncertain significance. Review status: criteria provided, multiple submitters, no conflicts (2 of 4 stars). 3 submissions from 3 submitters: Uncertain significance (3). Last evaluated 2025-08-10.

Conditions:
Fanconi anemia complementation group J. Also called: BRIP1-Related Fanconi Anemia. Identifiers: Orphanet 84, MedGen C1836860, MONDO:0012187, OMIM 609054.
Familial cancer of breast. Also called: BREAST CANCER, FAMILIAL; hereditary breast carcinoma; Hereditary breast cancer. Identifiers: Orphanet 227535, MedGen C0346153, MONDO:0016419, OMIM 114480. Disease mechanism: loss of function.
Hereditary cancer-predisposing syndrome. Also called: Hereditary neoplastic syndrome; Neoplastic Syndromes, Hereditary; Hereditary Cancer Syndrome; Tumor predisposition. Identifiers: Orphanet 140162, MedGen C0027672, MeSH D009386, MONDO:0015356.

Allele frequency attached by ClinVar (database versions not stated): gnomAD 0.00001; TOPMed 0.00001.
gnomAD v4.1: 3 of 1,613,414 alleles (0.00019%); highest among the groups gnomAD compares: African/African-American, 0.004%; no homozygotes.

Submissions (3):

Labcorp Genetics (formerly Invitae), Labcorp
Classification: Uncertain significance for Familial cancer of breast; Fanconi anemia complementation group J. Last evaluated: 2025-08-10. Review status: criteria provided, single submitter. Criteria: Invitae Variant Classification Sherloc (09022015). Collection method: clinical testing. Allele origin: germline.
Comment: This sequence change replaces proline, which is neutral and non-polar, with alanine, which is neutral and non-polar, at codon 727 of the BRIP1 protein (p.Pro727Ala). This variant is present in population databases (no rsID available, gnomAD 0.01%). This variant has not been reported in the literature in individuals affected with BRIP1-related conditions. ClinVar contains an entry for this variant (Variation ID: 570684). Invitae Evidence Modeling of protein sequence and biophysical properties (such as structural, functional, and spatial information, amino acid conservation, physicochemical variation, residue mobility, and thermodynamic stability) has been performed for this missense variant. However, the output from this modeling did not meet the statistical confidence thresholds required to predict the impact of this variant on BRIP1 protein function. In summary, the available evidence is currently insufficient to determine the role of this variant in disease. Therefore, it has been classified as a Variant of Uncertain Significance.

Ambry Genetics
Classification: Uncertain significance for Hereditary cancer-predisposing syndrome. Last evaluated: 2024-05-11. Review status: criteria provided, single submitter. Criteria: Ambry Variant Classification Scheme 2023. Collection method: clinical testing. Allele origin: germline.
Comment: The p.P727A variant (also known as c.2179C>G), located in coding exon 14 of the BRIP1 gene, results from a C to G substitution at nucleotide position 2179. The proline at codon 727 is replaced by alanine, an amino acid with highly similar properties. This amino acid position is highly conserved in available vertebrate species. In addition, the in silico prediction for this alteration is inconclusive. Since supporting evidence is limited at this time, the clinical significance of this alteration remains unclear.

Quest Diagnostics Nichols Institute San Juan Capistrano
Classification: Uncertain significance. Last evaluated: 2023-06-30. Review status: criteria provided, single submitter. Criteria: Quest Diagnostics criteria. Collection method: clinical testing. Allele origin: unknown.
Comment: This variant has not been reported in the published literature. The frequency of this variant in the general population, 0.000032 (1/31366 chromosomes (Genome Aggregation Database)), is uninformative in the assessment of its pathogenicity. Analysis of this variant using bioinformatics tools for the prediction of the effect of amino acid changes on protein structure and function yielded predictions that this variant is damaging. Based on the available information, we are unable to determine the clinical significance of this variant.

NM_032043.3(BRIP1):c.2179C>G (p.Pro727Ala)

Gene: BRIP1 (BRCA1 interacting DNA helicase 1; minus strand). Cytogenetic location: 17q23.2.
Variant type: single nucleotide variant.
Coding change: c.2179C>G on transcript NM_032043.3 (MANE Select); coding-DNA position 2179, C replaced by G.
Protein change: p.Pro727Ala; replaces proline 727 with alanine.
Molecular consequence: missense variant.
Genome position (GRCh38, 1-based): chr17:61,744,510, G>C on the plus strand (C>G on the coding strand, the complement: BRIP1 is on the minus strand). VCF-style: chr17-61744510-G-C. GRCh37 (hg19) VCF-style: chr17-59821871-G-C.
Other names: short protein forms P727A.
Identifiers: ClinVar variation 570684 (VCV000570684.16), dbSNP rs769797684, ClinGen allele CA400483083.
Genomic context (GRCh38, chr17:61,744,510, plus strand): 5'-TGATTGCGTCATAGTACACCTGCAGTAATTCATCAAAATTTGTTTTTTCTCCTCCCTGTG[G>C]TTCTACAATGACTGTCTTCACCAACTCCAGATTATGCCATAAACCAGTAGAGAGCCAACG-3'
Protein context (NP_114432.2, residues 717-737): LELVKTVIVE[Pro727Ala]QGGEKTNFDE